The following is an entry in ClinVar:

ClinVar aggregate classification (germline): Uncertain significance (0 of 4 stars; one submission).

Conditions:
DLC1-related disorder. Also called: DLC1-related condition.

gnomAD v4.1: 3 of 1,614,106 alleles (0.00019%); highest among the groups gnomAD compares: South Asian, 0.0033%; no homozygotes.

Submission:

PreventionGenetics, part of Exact Sciences
Classification: Uncertain significance for DLC1-related condition. Last evaluated: 2024-03-28. Review status: no assertion criteria provided. Collection method: clinical testing. Allele origin: germline.
Comment: The DLC1 c.2756T>C variant is predicted to result in the amino acid substitution p.Ile919Thr. To our knowledge, this variant has not been reported in the literature. This variant is reported in 0.0033% of alleles in individuals of South Asian descent in gnomAD. At this time, the clinical significance of this variant is uncertain due to the absence of conclusive functional and genetic evidence.

NM_182643.3(DLC1):c.2756T>C (p.Ile919Thr)

Gene: DLC1 (DLC1 Rho GTPase activating protein; minus strand). Cytogenetic location: 8p22.
Variant type: single nucleotide variant.
Coding change: c.2756T>C on transcript NM_182643.3 (MANE Select); coding-DNA position 2756, T replaced by C.
Protein change: p.Ile919Thr; replaces isoleucine 919 with threonine.
Molecular consequence: missense variant.
Genome position (GRCh38, 1-based): chr8:13,099,581, A>G on the plus strand (T>C on the coding strand, the complement: DLC1 is on the minus strand). VCF-style: chr8-13099581-A-G. GRCh37 (hg19) VCF-style: chr8-12957090-A-G.
Other names: c.1223T>C, p.Ile408Thr (NM_001164271.2, NM_001348082.2, NM_001348083.1 and 6 more transcripts); c.1547T>C, p.Ile516Thr (NM_001316668.2, NM_001413129.1); c.2756T>C, p.Ile919Thr (NM_001348081.2, NM_001413124.1); c.1538T>C, p.Ile513Thr (NM_001413130.1); c.1196T>C, p.Ile399Thr (NM_001413131.1, NM_001413137.1); c.1682T>C, p.Ile561Thr (NM_001413132.1); c.1445T>C, p.Ile482Thr (NM_001413135.1, NM_001413136.1, NM_001413139.1 and 1 more transcripts); c.1580T>C, p.Ile527Thr (NM_001413140.1); short protein forms I399T, I408T, I482T, I513T, I516T, I527T, I561T, I919T.
Identifiers: ClinVar variation 3350026 (VCV003350026.1).